The following is an entry in ClinVar:

ClinVar aggregate classification (germline): Uncertain significance (1 of 4 stars; one submission).

Conditions:
Inborn genetic diseases. Identifiers: MedGen C0950123, MeSH D030342.

gnomAD v4.1: 2 of 1,605,372 alleles (0.00012%); highest among the groups gnomAD compares: African/African-American, 0.0027%; no homozygotes.

Submission:

Ambry Genetics
Classification: Uncertain significance for Inborn genetic diseases. Last evaluated: 2024-12-31. Review status: criteria provided, single submitter. Criteria: Ambry Variant Classification Scheme 2023. Collection method: clinical testing. Allele origin: germline.
Comment: The p.P517A variant (also known as c.1549C>G), located in coding exon 11 of the SLC12A6 gene, results from a C to G substitution at nucleotide position 1549. The proline at codon 517 is replaced by alanine, an amino acid with highly similar properties. This amino acid position is conserved. In addition, this alteration is predicted to be deleterious by in silico analysis. Based on the available evidence, the clinical significance of this variant remains unclear.

NM_001365088.1(SLC12A6):c.1549C>G (p.Pro517Ala)

Gene: SLC12A6 (solute carrier family 12 member 6; minus strand). Cytogenetic location: 15q14.
Variant type: single nucleotide variant.
Coding change: c.1549C>G on transcript NM_001365088.1 (MANE Select); coding-DNA position 1549, C replaced by G.
Protein change: p.Pro517Ala; replaces proline 517 with alanine.
Molecular consequence: missense variant.
Genome position (GRCh38, 1-based): chr15:34,250,673, G>C on the plus strand (C>G on the coding strand, the complement: SLC12A6 is on the minus strand). VCF-style: chr15-34250673-G-C. GRCh37 (hg19) VCF-style: chr15-34542874-G-C.
Other names: c.1372C>G, p.Pro458Ala (NM_001042494.2, NM_001042495.2); c.1522C>G, p.Pro508Ala (NM_001042496.2); c.1504C>G, p.Pro502Ala (NM_001042497.2); c.1396C>G, p.Pro466Ala (NM_005135.2); c.1549C>G, p.Pro517Ala (NM_133647.2); short protein forms P458A, P502A, P508A, P466A, P517A.
Identifiers: ClinVar variation 3796452 (VCV003796452.1).